The following is an entry in ClinVar:

ClinVar aggregate classification (germline): Uncertain significance (1 of 4 stars; one submission).

gnomAD v4.1: 16 of 1,600,776 alleles (0.001%); highest among the groups gnomAD compares: Non-Finnish European, 0.0013%; no homozygotes.

Submission:

Labcorp Genetics (formerly Invitae), Labcorp
Classification: Uncertain significance. Last evaluated: 2025-12-31. Review status: criteria provided, single submitter. Criteria: Invitae Variant Classification Sherloc (09022015). Collection method: clinical testing. Allele origin: germline.
Comment: This sequence change replaces histidine, which is basic and polar, with asparagine, which is neutral and polar, at codon 133 of the FOCAD protein (p.His133Asn). The frequency data for this variant in the population databases is considered unreliable, as metrics indicate poor data quality at this position in the gnomAD database. This variant has not been reported in the literature in individuals affected with FOCAD-related conditions. ClinVar contains an entry for this variant (Variation ID: 3646320). Experimental studies and prediction algorithms are not available or were not evaluated, and the functional significance of this variant is currently unknown. In summary, the available evidence is currently insufficient to determine the role of this variant in disease. Therefore, it has been classified as a Variant of Uncertain Significance.

NM_001375567.1(FOCAD):c.397C>A (p.His133Asn)

Gene: FOCAD (focadhesin; plus strand). Cytogenetic location: 9p21.3.
Variant type: single nucleotide variant.
Coding change: c.397C>A on transcript NM_001375567.1 (MANE Select); coding-DNA position 397, C replaced by A.
Protein change: p.His133Asn; replaces histidine 133 with asparagine.
Molecular consequence: missense variant.
Genome position (GRCh38, 1-based): chr9:20,758,094, C>A. VCF-style: chr9-20758094-C-A. GRCh37 (hg19) VCF-style: chr9-20758093-C-A.
Other names: c.397C>A, p.His133Asn (NM_001375568.1, NM_017794.5); c.292C>A, p.His98Asn (NM_001375570.1); short protein forms H98N, H133N.
Identifiers: ClinVar variation 3646320 (VCV003646320.2).